The following is an entry in ClinVar:

ClinVar aggregate classification (germline): Uncertain significance (1 of 4 stars; one submission).

Submission:

GeneDx
Classification: Uncertain significance. Last evaluated: 2023-02-23. Review status: criteria provided, single submitter. Criteria: GeneDx Variant Classification Process June 2021. Collection method: clinical testing. Allele origin: germline. Affected: yes.
Comment: Not observed at significant frequency in large population cohorts (gnomAD); In silico analysis supports that this missense variant has a deleterious effect on protein structure/function; Has not been previously published as pathogenic or benign to our knowledge

NM_182760.4(SUMF1):c.891C>G (p.Asn297Lys)

Gene: SUMF1 (sulfatase modifying factor 1; minus strand). Cytogenetic location: 3p26.1.
Variant type: single nucleotide variant.
Coding change: c.891C>G on transcript NM_182760.4 (MANE Select); coding-DNA position 891, C replaced by G.
Protein change: p.Asn297Lys; replaces asparagine 297 with lysine.
Molecular consequence: missense variant.
Genome position (GRCh38, 1-based): chr3:4,410,928, G>C on the plus strand (C>G on the coding strand, the complement: SUMF1 is on the minus strand). VCF-style: chr3-4410928-G-C. GRCh37 (hg19) VCF-style: chr3-4452612-G-C.
Other names: c.816C>G, p.Asn272Lys (NM_001164674.2); c.891C>G, p.Asn297Lys (NM_001164675.2); short protein forms N272K, N297K.
Identifiers: ClinVar variation 1306563 (VCV001306563.2), dbSNP rs143754187, ClinGen allele CA351631363.